The following is an entry in ClinVar:

ClinVar aggregate classification (germline): Uncertain significance (1 of 4 stars; one submission).

Allele frequency attached by ClinVar (database versions not stated): ExAC 0.00001.
gnomAD v4.1: 3 of 1,612,650 alleles (0.00019%); no homozygotes.

Submission:

Ambry Genetics
Classification: Uncertain significance. Last evaluated: 2022-04-23. Review status: criteria provided, single submitter. Criteria: Ambry Variant Classification Scheme 2023. Collection method: clinical testing. Allele origin: germline.
Comment: The p.N2058S variant (also known as c.6173A>G), located in coding exon 19 of the POLQ gene, results from an A to G substitution at nucleotide position 6173. The asparagine at codon 2058 is replaced by serine, an amino acid with highly similar properties. This amino acid position is conserved. In addition, this alteration is predicted to be tolerated by in silico analysis. Since supporting evidence is limited at this time, the clinical significance of this alteration remains unclear.

NM_199420.4(POLQ):c.6173A>G (p.Asn2058Ser)

Gene: POLQ (DNA polymerase theta; minus strand). Cytogenetic location: 3q13.33.
Variant type: single nucleotide variant.
Coding change: c.6173A>G on transcript NM_199420.4 (MANE Select); coding-DNA position 6173, A replaced by G.
Protein change: p.Asn2058Ser; replaces asparagine 2058 with serine.
Molecular consequence: missense variant.
Genome position (GRCh38, 1-based): chr3:121,481,610, T>C on the plus strand (A>G on the coding strand, the complement: POLQ is on the minus strand). VCF-style: chr3-121481610-T-C. GRCh37 (hg19) VCF-style: chr3-121200457-T-C.
Other names: short protein forms N2058S.
Identifiers: ClinVar variation 1752014 (VCV001752014.2), dbSNP rs369549621, ClinGen allele CA2562549.